The following is an entry in ClinVar:

NM_133259.4(LRPPRC):c.2441_2444del (p.Thr814fs)

Gene: LRPPRC (leucine rich pentatricopeptide repeat containing; minus strand). Cytogenetic location: 2p21.
Variant type: Deletion.
Coding change: c.2441_2444del on transcript NM_133259.4 (MANE Select); coding-DNA positions 2441 to 2444, 4 bases deleted (CTCT; older notation c.2441_2444delCTCT).
Protein change: p.Thr814fs; shifts the reading frame from threonine 814.
Molecular consequence: frameshift variant.
Genome position (GRCh38, 1-based): chr2:43,943,747-43,943,750, AGAG deleted on the plus strand (CTCT on the coding strand, the reverse complement: LRPPRC is on the minus strand). VCF-style (leftmost placement, unchanged base first): chr2-43943746-TAGAG-T. GRCh37 (hg19) VCF-style: chr2-44170885-TAGAG-T.
Other names: short protein forms T814fs.
Identifiers: ClinVar variation 1343727 (VCV001343727.6), dbSNP rs2105077465, ClinGen allele CA2573051946.
Genomic context (GRCh38, chr2:43,943,746, plus strand): 5'-CTTTTCCAAGTGTACAGTGACCAATGGGAAACTTATGTTGGTGGATGGTTCTGCTAACCC[TAGAG>T]TCACGATGGCTTCATGCAACTGTTTTACTGTTTCAATTTCACCTCTTAAAGCTGCGCCAT-3'

ClinVar aggregate classification (germline): Pathogenic/Likely pathogenic. Review status: criteria provided, multiple submitters, no conflicts (2 of 4 stars). 2 submissions from 2 submitters: Pathogenic (1); Likely pathogenic (1). Last evaluated 2025-08-27.

Conditions:
Congenital lactic acidosis, Saguenay-Lac-Saint-Jean type (MC4DN5). Also called: CYTOCHROME c OXIDASE DEFICIENCY, FRENCH CANADIAN TYPE; COX DEFICIENCY, FRENCH CANADIAN TYPE; MITOCHONDRIAL COMPLEX IV DEFICIENCY, NUCLEAR TYPE 5. Identifiers: Orphanet 70472, MedGen C1857355, MONDO:0009069, OMIM 220111.

Submissions (2):

Labcorp Genetics (formerly Invitae), Labcorp
Classification: Pathogenic. Last evaluated: 2025-08-27. Review status: criteria provided, single submitter. Criteria: Invitae Variant Classification Sherloc (09022015). Collection method: clinical testing. Allele origin: germline.
Comment: This sequence change creates a premature translational stop signal (p.Thr814Lysfs*3) in the LRPPRC gene. It is expected to result in an absent or disrupted protein product. Loss-of-function variants in LRPPRC are known to be pathogenic (PMID: 26510951). This variant is not present in population databases (gnomAD no frequency). This variant has not been reported in the literature in individuals affected with LRPPRC-related conditions. ClinVar contains an entry for this variant (Variation ID: 1343727). For these reasons, this variant has been classified as Pathogenic.

Women's Health and Genetics/Laboratory Corporation of America, LabCorp
Classification: Likely pathogenic for Congenital lactic acidosis, Saguenay-Lac-Saint-Jean type. Last evaluated: 2022-02-23. Review status: criteria provided, single submitter. Criteria: LabCorp Variant Classification Summary - May 2015. Collection method: clinical testing. Allele origin: germline.
Comment: Variant summary: LRPPRC c.2441_2444delCTCT (p.Thr814LysfsX3) results in a premature termination codon, predicted to cause a truncation of the encoded protein or absence of the protein due to nonsense mediated decay, which are commonly known mechanisms for disease. Truncations downstream of this position have been reported in affected individuals (HGMD). The variant was absent in 251294 control chromosomes (gnomAD). To our knowledge, no occurrence of c.2441_2444delCTCT in individuals affected with Leigh Syndrome, French-Canadian Type and no experimental evidence demonstrating its impact on protein function have been reported. No clinical diagnostic laboratories have submitted clinical-significance assessments for this variant to ClinVar after 2014. Based on the evidence outlined above, the variant was classified as likely pathogenic.

Literature cited by the submitters: PubMed 26510951 (cited by Labcorp Genetics (formerly Invitae), Labcorp).